The following is an entry in ClinVar:

NM_001165963.4(SCN1A):c.2928G>C (p.Met976Ile)

Gene: SCN1A (sodium voltage-gated channel alpha subunit 1; minus strand). Cytogenetic location: 2q24.3.
Variant type: single nucleotide variant.
Coding change: c.2928G>C on transcript NM_001165963.4 (MANE Select); coding-DNA position 2928, G replaced by C.
Protein change: p.Met976Ile; replaces methionine 976 with isoleucine.
Molecular consequence: missense variant. On other transcripts: non-coding transcript variant (1).
Genome position (GRCh38, 1-based): chr2:166,037,794, C>G on the plus strand (G>C on the coding strand, the complement: SCN1A is on the minus strand). VCF-style: chr2-166037794-C-G. GRCh37 (hg19) VCF-style: chr2-166894304-C-G.
Other names: c.2844G>C, p.Met948Ile (NM_001165964.3, NM_001353957.2, NM_001353958.2); c.2928G>C, p.Met976Ile (NM_001202435.3, NM_001353948.2); c.2895G>C, p.Met965Ile (NM_001353949.2, NM_001353950.2, NM_001353951.2 and 2 more transcripts); c.2892G>C, p.Met964Ile (NM_001353954.2, NM_001353955.2); c.2841G>C, p.Met947Ile (NM_001353960.2); c.486G>C, p.Met162Ile (NM_001353961.2); short protein forms M965I, M976I, M948I, M162I, M947I, M964I.
Identifiers: ClinVar variation 1444861 (VCV001444861.9), dbSNP rs1696602585, ClinGen allele CA349060796.
Genomic context (GRCh38, chr2:166,037,794, plus strand): 5'-GCTGGTGTATTTCCAAAATGCATATCTTAAGTGGGTACATACCACTAGGTTTCCAATCAC[C>G]ATGACCATCATGAAGACAGTAAGGCACATGGCTTGACCAGCAACCTCCATACAGTCCCAC-3'
Protein context (NP_001159435.1, residues 966-986): AMCLTVFMMV[Met976Ile]VIGNLVVLNL

ClinVar aggregate classification (germline): Pathogenic (1 of 4 stars; one submission).

Conditions:
Early-infantile DEE. Also called: Early infantile epileptic encephalopathy; Ohtahara syndrome; Early infantile epileptic encephalopathy with suppression bursts. Identifiers: Orphanet 1934, MedGen C0393706, MONDO:0800491.

Submission:

Labcorp Genetics (formerly Invitae), Labcorp
Classification: Pathogenic for Early-infantile DEE. Last evaluated: 2023-12-22. Review status: criteria provided, single submitter. Criteria: Invitae Variant Classification Sherloc (09022015). Collection method: clinical testing. Allele origin: germline.
Comment: This sequence change replaces methionine, which is neutral and non-polar, with isoleucine, which is neutral and non-polar, at codon 976 of the SCN1A protein (p.Met976Ile). This variant is not present in population databases (gnomAD no frequency). A different variant (c.2928G>A) giving rise to the same protein effect has been determined to be pathogenic (PMID: 19522081, 22071555). This suggests that this variant is also likely to be causative of disease. ClinVar contains an entry for this variant (Variation ID: 1444861). Advanced modeling of protein sequence and biophysical properties (such as structural, functional, and spatial information, amino acid conservation, physicochemical variation, residue mobility, and thermodynamic stability) performed at Invitae indicates that this missense variant is expected to disrupt SCN1A protein function with a positive predictive value of 95%. This variant disrupts the p.Met976 amino acid residue in SCN1A. Other variant(s) that disrupt this residue have been observed in individuals with SCN1A-related conditions (PMID: 30619928), which suggests that this may be a clinically significant amino acid residue. For these reasons, this variant has been classified as Pathogenic.

Literature cited by the submitters: PubMed 19522081; PubMed 22071555; PubMed 30619928.